The following is an entry in ClinVar:

NM_001017980.4(VMA21):c.164-7T>G

Gene: VMA21 (vacuolar ATPase assembly factor VMA21; plus strand). Cytogenetic location: Xq28.
Variant type: single nucleotide variant.
Coding change: c.164-7T>G on transcript NM_001017980.4 (MANE Select); 7 bases into the intron before coding-DNA position 164, T replaced by G.
Molecular consequence: intron variant.
Genome position (GRCh38, 1-based): chrX:151,404,909, T>G. VCF-style: chrX-151404909-T-G. GRCh37 (hg19) VCF-style: chrX-150573381-T-G.
Other names: IVS2, T-G, -7; c.329-7T>G (NM_001363810.1).
Identifiers: ClinVar variation 208801 (VCV000208801.11), dbSNP rs878854353, ClinGen allele CA10575763.
Genomic context (GRCh38, chrX:151,404,909, plus strand): 5'-TGTTTTTTTTTTTTGTACTTTGGTAAATTTTGCAATAAAATGGAAACTGTTTTTTTTCTC[T>G]TGATAGGCGCCCTTGGGATGTCCAATAGGGACAGCTATTTTTACGCTGCTATTGTTGCAG-3'

ClinVar aggregate classification (germline): Pathogenic. Review status: criteria provided, single submitter (1 of 4 stars). 2 submissions from 2 submitters: Pathogenic (1). 1 of the submissions does not count toward it. Last evaluated 2024-09-10.

Conditions:
X-linked myopathy with excessive autophagy (AVM). Also called: Vacuolar myopathy; Autophagic vacuolar myopathy. Identifiers: Orphanet 25980, MedGen C1839615, MONDO:0010684, OMIM 310440.

Submissions (2):

Labcorp Genetics (formerly Invitae), Labcorp
Classification: Pathogenic for X-linked myopathy with excessive autophagy. Last evaluated: 2024-09-10. Review status: criteria provided, single submitter. Criteria: Invitae Variant Classification Sherloc (09022015). Collection method: clinical testing. Allele origin: germline.
Comment: This sequence change falls in intron 2 of the VMA21 gene. It does not directly change the encoded amino acid sequence of the VMA21 protein. This variant is not present in population databases (gnomAD no frequency). This variant has been observed in individuals with X-linked myopathy with excessive autophagy (PMID: 23315026, 23850239, 24488655). ClinVar contains an entry for this variant (Variation ID: 208801). Algorithms developed to predict the effect of variants on gene product structure and function are not available or were not evaluated for this variant. Experimental studies have shown that this variant affects VMA21 function (PMID: 23315026). Algorithms developed to predict the effect of sequence changes on RNA splicing suggest that this variant is not likely to affect RNA splicing. For these reasons, this variant has been classified as Pathogenic.

OMIM
Classification: Pathogenic for MYOPATHY, X-LINKED, WITH EXCESSIVE AUTOPHAGY. Last evaluated: 2014-07-01. Review status: no assertion criteria provided. Collection method: literature only. Allele origin: germline. Not counted in ClinVar's aggregate classification.

Literature cited by the submitters: PubMed 23315026 (cited by Labcorp Genetics (formerly Invitae), Labcorp and OMIM); PubMed 23850239 (cited by Labcorp Genetics (formerly Invitae), Labcorp and OMIM); PubMed 24488655 (cited by Labcorp Genetics (formerly Invitae), Labcorp and OMIM).